The following is an entry in ClinVar:

NM_024426.6(WT1):c.198G>T (p.Ala66=)

Genes: WT1 (WT1 transcription factor; minus strand), LOC107982234 (WT1/WT1-AS bi-directional promoter region; plus strand). Cytogenetic location: 11p13.
Variant type: single nucleotide variant.
Coding change: c.198G>T on transcript NM_024426.6 (MANE Select); coding-DNA position 198, G replaced by T.
Protein change: p.Ala66=; no amino-acid change (alanine 66 retained).
Molecular consequence: synonymous variant. On other transcripts: non-coding transcript variant (1).
Genome position (GRCh38, 1-based): chr11:32,435,163, C>A on the plus strand (G>T on the coding strand, the complement: WT1 is on the minus strand). VCF-style: chr11-32435163-C-A. GRCh37 (hg19) VCF-style: chr11-32456709-C-A.
Other names: c.198G>T, p.Ala66= (NM_000378.6, NM_024424.5); c.183G>T (NM_024426.4).
Identifiers: ClinVar variation 1155282 (VCV001155282.11), dbSNP rs955105743, ClinGen allele CA219511329.

ClinVar aggregate classification (germline): Likely benign. Review status: criteria provided, multiple submitters, no conflicts (2 of 4 stars). 3 submissions from 3 submitters: Likely benign (3). Last evaluated 2024-12-02.

Conditions:
Drash syndrome (DDS). Also called: NEPHROPATHY, WILMS TUMOR, AND GENITAL ANOMALIES; WILMS TUMOR AND PSEUDO- OR TRUE HERMAPHRODITISM. Identifiers: Orphanet 220, MedGen C0950121, MONDO:0008682, OMIM 194080.
Frasier syndrome. Identifiers: Orphanet 347, MedGen C0950122, MeSH D052159, MONDO:0007635, OMIM 136680.
Wilms tumor 1 (WT1). Also called: Wilms tumor, somatic. Identifiers: Orphanet 654, MedGen CN033288, MONDO:0008679, OMIM 194070.
11p partial monosomy syndrome (WAGR). Also called: WAGR Spectrum Disorder; WAGR Complex; WAGR syndrome; CHROMOSOME 11p13 DELETION SYNDROME. Identifiers: Orphanet 893, MedGen C0206115, MONDO:0008681, OMIM 194072.
Inborn genetic diseases. Identifiers: MedGen C0950123, MeSH D030342.

Allele frequency attached by ClinVar (database versions not stated): gnomAD 0.00002; TOPMed 0.00003.
gnomAD v4.1: 6 of 1,520,732 alleles (0.00039%); highest among the groups gnomAD compares: African/African-American, 0.007%; no homozygotes.

Submissions (3):

Ambry Genetics
Classification: Likely benign for Inborn genetic diseases. Last evaluated: 2024-12-02. Review status: criteria provided, single submitter. Criteria: Ambry Variant Classification Scheme 2023. Collection method: clinical testing. Allele origin: germline.

Labcorp Genetics (formerly Invitae), Labcorp
Classification: Likely benign for Wilms tumor 1; Drash syndrome; 11p partial monosomy syndrome; Frasier syndrome. Last evaluated: 2024-05-21. Review status: criteria provided, single submitter. Criteria: Invitae Variant Classification Sherloc (09022015). Collection method: clinical testing. Allele origin: germline.

All of Us Research Program, National Institutes of Health
Classification: Likely benign for Wilms tumor 1. Last evaluated: 2023-10-02. Review status: criteria provided, single submitter. Criteria: ACMG Guidelines, 2015. Collection method: clinical testing. Allele origin: germline. Inheritance: Autosomal dominant inheritance. Observed: 2 variant alleles, 2 heterozygotes.
Comment: This study involves interpretation of variants in research participants for the purpose of population health screening. Participant phenotype was not available at the time of variant classification. Additional details can be found in publication PMID: 35346344, PMCID: PMC8962531